The following is an entry in ClinVar:

ClinVar aggregate classification (germline): Likely benign. Review status: criteria provided, multiple submitters, no conflicts (2 of 4 stars). 3 submissions from 3 submitters: Likely benign (3). Last evaluated 2026-02-26.

Conditions:
Inborn genetic diseases. Identifiers: MedGen C0950123, MeSH D030342.
ANKRD26-related disorder. Also called: ANKRD26-related condition.

gnomAD v4.1: 17 of 1,612,862 alleles (0.0011%); highest among the groups gnomAD compares: African/African-American, 0.023%; no homozygotes.

Submissions (3):

PreventionGenetics, part of Exact Sciences
Classification: Likely benign for ANKRD26-related condition. Last evaluated: 2026-02-26. Review status: criteria provided, single submitter. Criteria: ACMG Guidelines, 2015. Collection method: clinical testing. Allele origin: germline.
Comment: This variant is classified as likely benign based on ACMG/AMP sequence variant interpretation guidelines (Richards et al. 2015 PMID: 25741868, with internal and published modifications).

Labcorp Genetics (formerly Invitae), Labcorp
Classification: Likely benign. Last evaluated: 2025-09-15. Review status: criteria provided, single submitter. Criteria: Invitae Variant Classification Sherloc (09022015). Collection method: clinical testing. Allele origin: germline.

Ambry Genetics
Classification: Likely benign for Inborn genetic diseases. Last evaluated: 2024-11-25. Review status: criteria provided, single submitter. Criteria: Ambry Variant Classification Scheme 2023. Collection method: clinical testing. Allele origin: germline.

NM_014915.3(ANKRD26):c.832T>C (p.Leu278=)

Gene: ANKRD26 (ankyrin repeat domain 26; minus strand). Cytogenetic location: 10p12.1.
Variant type: single nucleotide variant.
Coding change: c.832T>C on transcript NM_014915.3 (MANE Select); coding-DNA position 832, T replaced by C.
Protein change: p.Leu278=; no amino-acid change (leucine 278 retained).
Molecular consequence: synonymous variant.
Genome position (GRCh38, 1-based): chr10:27,077,675, A>G on the plus strand (T>C on the coding strand, the complement: ANKRD26 is on the minus strand). VCF-style: chr10-27077675-A-G. GRCh37 (hg19) VCF-style: chr10-27366604-A-G.
Other names: c.832T>C, p.Leu278= (NM_001256053.2).
Identifiers: ClinVar variation 3396219 (VCV003396219.4).
Genomic context (GRCh38, chr10:27,077,675, plus strand): 5'-AGTTTTCAAACAGCTTACAATTTTTCCTGGATTGCTGAGAAGCAGTCATTAGCTTTGCTA[A>G]GCTTGGTTTTGGGACATTCTAGAAAACAAAAATAAGAATAACAAGTTTTAAAAAAACAAG-3'
Protein context (NP_055730.2, residues 268-288): FDTKNVPKPS[Leu278=]AKLMTASQQS